The following is an entry in ClinVar:

NM_001131016.2(CIZ1):c.36_80dup (p.Gln15_Gln29dup)

Gene: CIZ1 (CDKN1A interacting zinc finger protein 1; minus strand). Cytogenetic location: 9q34.11.
Variant type: Duplication.
Coding change: c.36_80dup on transcript NM_001131016.2 (MANE Select); coding-DNA positions 36 to 80, 45 bases duplicated.
Protein change: p.Gln15_Gln29dup.
Molecular consequence: inframe insertion. On other transcripts: 5 prime UTR variant (1).
Genome position (GRCh38, 1-based): chr9:128,190,778-128,190,822, 45 bases duplicated; duplicating any 45 consecutive bases within chr9:128,190,778-128,190,842 gives the same sequence; the c. name uses the placement nearest the transcript's 3' end. GRCh37 (hg19): chr9:130,953,077-130,953,121.
Other names: c.36_80dup, p.Gln15_Gln29dup (NM_001131015.2, NM_001131017.2, NM_001131018.2 and 1 more transcripts); c.126_170dup, p.Gln45_Gln59dup (NM_001257975.2); c.-152_-108dup (NM_001257976.2).
Identifiers: ClinVar variation 1376135 (VCV001376135.8), dbSNP rs1462265652, ClinGen allele CA590940422.

ClinVar aggregate classification (germline): Uncertain significance (1 of 4 stars; one submission).

Conditions:
Dystonic disorder. Also called: Dystonia. Identifiers: MedGen C0013421, MONDO:0003441, HP:0001332.

Submission:

Labcorp Genetics (formerly Invitae), Labcorp
Classification: Uncertain significance for Dystonic disorder. Last evaluated: 2025-07-13. Review status: criteria provided, single submitter. Criteria: Invitae Variant Classification Sherloc (09022015). Collection method: clinical testing. Allele origin: germline.
Comment: This variant, c.36_80dup, results in the insertion of 15 amino acid(s) of the CIZ1 protein (p.Gln15_Gln29dup), but otherwise preserves the integrity of the reading frame. The frequency data for this variant in the population databases is considered unreliable, as metrics indicate poor data quality at this position in the gnomAD database. This variant has not been reported in the literature in individuals affected with CIZ1-related conditions. ClinVar contains an entry for this variant (Variation ID: 1376135). Experimental studies and prediction algorithms are not available or were not evaluated, and the functional significance of this variant is currently unknown. In summary, the available evidence is currently insufficient to determine the role of this variant in disease. Therefore, it has been classified as a Variant of Uncertain Significance.